The following is an entry in ClinVar:

ClinVar aggregate classification (germline): Uncertain significance (1 of 4 stars; one submission).

Conditions:
Autoimmune lymphoproliferative syndrome type 2A (ALPS2A). Also called: CASP10-Related Autoimmune Lymphoproliferative Syndrome; AUTOIMMUNE LYMPHOPROLIFERATIVE SYNDROME, TYPE IIA; Autoimmune lymphoproliferative syndrome type 2. Identifiers: Orphanet 3261, MedGen C1858968, MONDO:0011383, OMIM 603909.

Submission:

Labcorp Genetics (formerly Invitae), Labcorp
Classification: Uncertain significance for Autoimmune lymphoproliferative syndrome type 2A. Last evaluated: 2024-01-17. Review status: criteria provided, single submitter. Criteria: Invitae Variant Classification Sherloc (09022015). Collection method: clinical testing. Allele origin: germline.
Comment: This variant is a gross deletion of the genomic region encompassing exon(s) 6-9 of the CASP10 gene. This deletion is out-of-frame, and is expected to create a premature translational stop signal and result in an absent or disrupted protein product. However, the current clinical and genetic evidence is not sufficient to establish whether loss-of-function variants in CASP10 cause disease. A similar copy number variant has been observed in individual(s) with systemic juvenile idiopathic arthritis with no symptoms of ALPS (PMID: 21382177). In summary, the available evidence is currently insufficient to determine the role of this variant in disease. Therefore, it has been classified as a Variant of Uncertain Significance.

Literature cited by the submitters: PubMed 21382177.

NC_000002.12:g.(?_201203710)_(201209582_?)del

Genes: CASP10 (caspase 10; plus strand), LOC129935405 (ATAC-STARR-seq lymphoblastoid active region 16981; plus strand). Cytogenetic location: 2q33.1.
Variant type: Deletion.
Identifiers: ClinVar variation 655232 (VCV000655232.7).